The following is an entry in ClinVar:

ClinVar aggregate classification (germline): Likely benign. Review status: criteria provided, multiple submitters, no conflicts (2 of 4 stars). 3 submissions from 3 submitters: Likely benign (2). 1 of the submissions does not count toward it. Last evaluated 2025-04-11.

Conditions:
CREBBP-related disorder. Also called: CREBBP-related disorders; CREBBP-related condition.
Rubinstein-Taybi syndrome (RSTS). Identifiers: Orphanet 783, MedGen C0035934, MONDO:0019188.

Allele frequency attached by ClinVar (database versions not stated): ExAC 0.00001; gnomAD 0.00001; gnomAD exomes 0.00001 and 0.00002; TOPMed 0.00001.
gnomAD v4.1: 29 of 1,613,796 alleles (0.0018%); highest among the groups gnomAD compares: Middle Eastern, 0.016%; no homozygotes.

Submissions (3):

Labcorp Genetics (formerly Invitae), Labcorp
Classification: Likely benign for Rubinstein-Taybi syndrome. Last evaluated: 2025-04-11. Review status: criteria provided, single submitter. Criteria: Invitae Variant Classification Sherloc (09022015). Collection method: clinical testing. Allele origin: germline.

Blueprint Genetics
Classification: Likely benign. Last evaluated: 2022-06-02. Review status: criteria provided, single submitter. Criteria: ACMG Guidelines, 2015. Collection method: clinical testing. Allele origin: germline.

PreventionGenetics, part of Exact Sciences
Classification: Likely benign for CREBBP-related condition. Last evaluated: 2022-07-05. Review status: no assertion criteria provided. Collection method: clinical testing. Allele origin: germline. Not counted in ClinVar's aggregate classification.
Comment: This variant is classified as likely benign based on ACMG/AMP sequence variant interpretation guidelines (Richards et al. 2015 PMID: 25741868, with internal and published modifications).

NM_004380.3(CREBBP):c.6279C>T (p.Asn2093=)

Gene: CREBBP (CREB binding lysine acetyltransferase; minus strand). Cytogenetic location: 16p13.3.
Variant type: single nucleotide variant.
Coding change: c.6279C>T on transcript NM_004380.3 (MANE Select); coding-DNA position 6279, C replaced by T.
Protein change: p.Asn2093=; no amino-acid change (asparagine 2093 retained).
Molecular consequence: synonymous variant.
Genome position (GRCh38, 1-based): chr16:3,728,768, G>A on the plus strand (C>T on the coding strand, the complement: CREBBP is on the minus strand). VCF-style: chr16-3728768-G-A. GRCh37 (hg19) VCF-style: chr16-3778769-G-A.
Other names: c.6165C>T, p.Asn2055= (NM_001079846.1).
Identifiers: ClinVar variation 750238 (VCV000750238.11), dbSNP rs762700575, ClinGen allele CA7869151.
Genomic context (GRCh38, chr16:3,728,768, plus strand): 5'-GGGCTGATTGGCCACGTACTTGGCTGTGCGCTGTTTGATGAAAGCTGCCATTAGCTGCGG[G>A]TTTGATTTGAGAATGTTCAGCACCTGCTGTTGCTGCTGAGGGGAGCTGGGCGACTTCAGG-3'
Protein context (NP_004371.2, residues 2083-2103): QQQVLNILKS[Asn2093=]PQLMAAFIKQ